The following is an entry in ClinVar:

ClinVar aggregate classification (germline): Conflicting classifications of pathogenicity. Review status: criteria provided, conflicting classifications (1 of 4 stars). 2 submissions from 2 submitters: Likely pathogenic (1); Uncertain significance (1). Last evaluated 2022-01-03.

Conditions:
Spastic ataxia. Identifiers: Orphanet 316226, MedGen C1849156, MONDO:0017845, HP:0002497.
Chédiak-Higashi syndrome (CHS). Also called: Chediak-Higashi Syndrome. Identifiers: Orphanet 167, MedGen C0007965, MONDO:0008963, OMIM 214500.

Allele frequency attached by ClinVar (database versions not stated): gnomAD exomes 0.00001 and 0.00004; TOPMed 0.00001; gnomAD 0.00003 and 0.00004; ExAC 0.00005.
gnomAD v4.1: 25 of 1,590,600 alleles (0.0016%); highest among the groups gnomAD compares: Middle Eastern, 0.033%; no homozygotes.

Submissions (2):

Labcorp Genetics (formerly Invitae), Labcorp
Classification: Uncertain significance for Chédiak-Higashi syndrome. Last evaluated: 2022-01-03. Review status: criteria provided, single submitter. Criteria: Invitae Variant Classification Sherloc (09022015). Collection method: clinical testing. Allele origin: germline.
Comment: This sequence change replaces aspartic acid, which is acidic and polar, with histidine, which is basic and polar, at codon 3206 of the LYST protein (p.Asp3206His). This variant is present in population databases (rs746911004, gnomAD 0.007%). This variant has not been reported in the literature in individuals affected with LYST-related conditions. ClinVar contains an entry for this variant (Variation ID: 1020286). Algorithms developed to predict the effect of missense changes on protein structure and function are either unavailable or do not agree on the potential impact of this missense change (SIFT: "Deleterious"; PolyPhen-2: "Possibly Damaging"; Align-GVGD: "Class C0"). In summary, the available evidence is currently insufficient to determine the role of this variant in disease. Therefore, it has been classified as a Variant of Uncertain Significance.

Molecular Medicine for Neurodegenerative and Neuromuscular Diseases Unit, IRCCS Fondazione Stella Maris
Classification: Likely pathogenic for Spastic ataxia. Last evaluated: 2021-07-12. Review status: criteria provided, single submitter. Criteria: ACMG Guidelines, 2015. Collection method: research. Allele origin: unknown. Affected: yes.

NM_000081.4(LYST):c.9616G>C (p.Asp3206His)

Gene: LYST (lysosomal trafficking regulator; minus strand). Cytogenetic location: 1q42.3.
Variant type: single nucleotide variant.
Coding change: c.9616G>C on transcript NM_000081.4 (MANE Select); coding-DNA position 9616, G replaced by C.
Protein change: p.Asp3206His; replaces aspartic acid 3206 with histidine.
Molecular consequence: missense variant.
Genome position (GRCh38, 1-based): chr1:235,716,723, C>G on the plus strand (G>C on the coding strand, the complement: LYST is on the minus strand). VCF-style: chr1-235716723-C-G. GRCh37 (hg19) VCF-style: chr1-235880023-C-G.
Other names: c.9616G>C, p.Asp3206His (NM_001301365.1); short protein forms D3206H.
Identifiers: ClinVar variation 1020286 (VCV001020286.5), dbSNP rs746911004, ClinGen allele CA1465547.